The following is an entry in ClinVar:

NM_004830.4(MED23):c.1832G>A (p.Arg611Gln)

Gene: MED23 (mediator complex subunit 23; minus strand). Cytogenetic location: 6q23.2.
Variant type: single nucleotide variant.
Coding change: c.1832G>A on transcript NM_004830.4 (MANE Select); coding-DNA position 1832, G replaced by A.
Protein change: p.Arg611Gln; replaces arginine 611 with glutamine.
Molecular consequence: missense variant.
Genome position (GRCh38, 1-based): chr6:131,603,129, C>T on the plus strand (G>A on the coding strand, the complement: MED23 is on the minus strand). VCF-style: chr6-131603129-C-T. GRCh37 (hg19) VCF-style: chr6-131924269-C-T.
Other names: c.1832G>A, p.Arg611Gln (NM_001270521.2, NM_001270522.2); c.1850G>A, p.Arg617Gln (NM_015979.4); short protein forms R617Q, R611Q.
Identifiers: ClinVar variation 30442 (VCV000030442.5), dbSNP rs370667926, ClinGen allele CA129202.

ClinVar aggregate classification (germline): Likely pathogenic. Review status: criteria provided, single submitter (1 of 4 stars). 2 submissions from 2 submitters: Likely pathogenic (1). 1 of the submissions does not count toward it. Last evaluated 2021-02-26.

Conditions:
Intellectual developmental disorder, autosomal recessive 18, with or without epilepsy. Also called: Intellectual disability, autosomal recessive 18. Identifiers: Orphanet 88616, MedGen C3280265, MONDO:0013651, OMIM 614249.

Allele frequency attached by ClinVar (database versions not stated): gnomAD 0.00001; ExAC 0.00002; TOPMed 0.00001; gnomAD exomes 0.00002.
gnomAD v4.1: 27 of 1,613,738 alleles (0.0017%); highest among the groups gnomAD compares: Non-Finnish European, 0.0022%; no homozygotes.

Submissions (2):

GeneDx
Classification: Likely pathogenic. Last evaluated: 2021-02-26. Review status: criteria provided, single submitter. Criteria: GeneDx Variant Classification Process June 2021. Collection method: clinical testing. Allele origin: germline. Affected: yes.
Comment: Published functional studies demonstrate a damaging effect; specifically, R617Q impairs the response of JUN and FOS immediate early genes to serum mitogens by altering the interaction between enhancer-bound transcription factors and Mediator (Hashimoto et al., 2011); Not observed at a significant frequency in large population cohorts (Lek et al., 2016); This variant is associated with the following publications: (PMID: 21868677)

OMIM
Classification: Pathogenic for INTELLECTUAL DEVELOPMENTAL DISORDER, AUTOSOMAL RECESSIVE 18, WITHOUT EPILEPSY. Last evaluated: 2011-08-26. Review status: no assertion criteria provided. Collection method: literature only. Allele origin: germline. Not counted in ClinVar's aggregate classification.

Literature cited by the submitters: PubMed 21868677 (cited by OMIM).